The following is an entry in ClinVar:

ClinVar aggregate classification (germline): Likely benign. Review status: criteria provided, multiple submitters, no conflicts (2 of 4 stars). 2 submissions from 2 submitters: Likely benign (2). Last evaluated 2025-07-06.

Conditions:
Developmental and epileptic encephalopathy, 14 (DEE14). Also called: Early infantile epileptic encephalopathy 14. Identifiers: Orphanet 293181, MedGen C3554195, MONDO:0013989, OMIM 614959.
Autosomal dominant nocturnal frontal lobe epilepsy 5. Also called: CILIARY DYSKINESIA, PRIMARY, 28, WITHOUT SITUS INVERSUS; CILIARY DYSKINESIA, PRIMARY, 28, WITH SITUS INVERSUS; KCNT1-Related Epilepsy; Epilepsy, nocturnal frontal lobe, 5. Identifiers: Orphanet 98784, MedGen C3554306, MONDO:0014002, OMIM 615005.

Allele frequency attached by ClinVar (database versions not stated): gnomAD 0.00001; gnomAD exomes 0.00002 and 0.00003; TOPMed 0.00002; ExAC 0.00005.
gnomAD v4.1: 14 of 1,613,218 alleles (0.00087%); highest among the groups gnomAD compares: Admixed American, 0.013%; no homozygotes.

Submissions (2):

Labcorp Genetics (formerly Invitae), Labcorp
Classification: Likely benign for Autosomal dominant nocturnal frontal lobe epilepsy 5; Developmental and epileptic encephalopathy, 14. Last evaluated: 2025-07-06. Review status: criteria provided, single submitter. Criteria: Invitae Variant Classification Sherloc (09022015). Collection method: clinical testing. Allele origin: germline.

CeGaT Center for Human Genetics Tuebingen
Classification: Likely benign. Last evaluated: 2025-06-01. Review status: criteria provided, single submitter. Criteria: CeGaT Center For Human Genetics Tuebingen Variant Classification Criteria Version 2. Collection method: clinical testing. Allele origin: germline. Affected: yes. Observed: 1 variant allele.
Comment: KCNT1: BP4, BP7

NM_020822.3(KCNT1):c.777C>T (p.Ala259=)

Gene: KCNT1 (potassium sodium-activated channel subfamily T member 1; plus strand). Cytogenetic location: 9q34.3.
Variant type: single nucleotide variant.
Coding change: c.777C>T on transcript NM_020822.3 (MANE Select); coding-DNA position 777, C replaced by T.
Protein change: p.Ala259=; no amino-acid change (alanine 259 retained).
Molecular consequence: synonymous variant.
Genome position (GRCh38, 1-based): chr9:135,758,431, C>T. VCF-style: chr9-135758431-C-T. GRCh37 (hg19) VCF-style: chr9-138650277-C-T.
Other names: c.633C>T, p.Ala211= (NM_001272003.2).
Identifiers: ClinVar variation 1084780 (VCV001084780.17), dbSNP rs759317415, ClinGen allele CA5326654.
Genomic context (GRCh38, chr9:135,758,431, plus strand): 5'-GTCCACAGTCCCTGCCCGCTGACAGCCACCACTCCTTCCACAGAATGACTTCCACCGTGC[C>T]ATCCTGCGGACACAGTCAGCCATGTTCAACCAGGTCCTCATCCTCTTCTGCACCCTGCTG-3'
Protein context (NP_065873.2, residues 249-269): LENMINDFHR[Ala259=]ILRTQSAMFN